The following is an entry in ClinVar:

ClinVar aggregate classification (germline): Uncertain significance (1 of 4 stars; one submission).

Conditions:
Familial hemiplegic migraine. Identifiers: MedGen C0338484, MONDO:0000700.

Submission:

Labcorp Genetics (formerly Invitae), Labcorp
Classification: Uncertain significance for Familial hemiplegic migraine. Last evaluated: 2021-04-16. Review status: criteria provided, single submitter. Criteria: Invitae Variant Classification Sherloc (09022015). Collection method: clinical testing. Allele origin: germline.
Comment: This variant is not present in population databases (ExAC no frequency). In summary, the available evidence is currently insufficient to determine the role of this variant in disease. Therefore, it has been classified as a Variant of Uncertain Significance. Advanced modeling of protein sequence and biophysical properties (such as structural, functional, and spatial information, amino acid conservation, physicochemical variation, residue mobility, and thermodynamic stability) performed at Invitae indicates that this missense variant is expected to disrupt ATP1A2 protein function. This variant has not been reported in the literature in individuals with ATP1A2-related conditions. This sequence change replaces cysteine with tryptophan at codon 354 of the ATP1A2 protein (p.Cys354Trp). The cysteine residue is highly conserved and there is a large physicochemical difference between cysteine and tryptophan.

NM_000702.4(ATP1A2):c.1062C>G (p.Cys354Trp)

Gene: ATP1A2 (ATPase Na+/K+ transporting subunit alpha 2; plus strand). Cytogenetic location: 1q23.2.
Variant type: single nucleotide variant.
Coding change: c.1062C>G on transcript NM_000702.4 (MANE Select); coding-DNA position 1062, C replaced by G.
Protein change: p.Cys354Trp; replaces cysteine 354 with tryptophan.
Molecular consequence: missense variant.
Genome position (GRCh38, 1-based): chr1:160,128,696, C>G. VCF-style: chr1-160128696-C-G. GRCh37 (hg19) VCF-style: chr1-160098486-C-G.
Other names: short protein forms C354W.
Identifiers: ClinVar variation 1345957 (VCV001345957.8), dbSNP rs1651663976, ClinGen allele CA343239245.